The following is an entry in ClinVar:

NM_003611.3(OFD1):c.176C>T (p.Pro59Leu)

Gene: OFD1 (OFD1 centriole and centriolar satellite protein; plus strand). Cytogenetic location: Xp22.2.
Variant type: single nucleotide variant.
Coding change: c.176C>T on transcript NM_003611.3 (MANE Select); coding-DNA position 176, C replaced by T.
Protein change: p.Pro59Leu; replaces proline 59 with leucine.
Molecular consequence: missense variant. On other transcripts: 5 prime UTR variant (1).
Genome position (GRCh38, 1-based): chrX:13,736,542, C>T. VCF-style: chrX-13736542-C-T. GRCh37 (hg19) VCF-style: chrX-13754661-C-T.
Other names: c.176C>T, p.Pro59Leu (NM_001330209.2); c.-370C>T (NM_001330210.2); short protein forms P59L.
Identifiers: ClinVar variation 3748708 (VCV003748708.2).
Genomic context (GRCh38, chrX:13,736,542, plus strand): 5'-AACTTCGAAACCAGCTAATTCATGAGTTGATGCACCCTGTATTGAGTGGAGAACTGCAGC[C>T]TCGGTCCATTTCAGTAGAAGGGAGCTCCCTCTTAATAGGCGCCTCTAACTCTTTAGTGGC-3'
Protein context (NP_003602.1, residues 49-69): MHPVLSGELQ[Pro59Leu]RSISVEGSSL

ClinVar aggregate classification (germline): Uncertain significance (1 of 4 stars; one submission).

Conditions:
Joubert syndrome. Also called: CEREBELLOPARENCHYMAL DISORDER IV; JOUBERT-BOLTSHAUSER SYNDROME; Familial aplasia of the vermis. Identifiers: Orphanet 475, MedGen C5979921, MONDO:0018772.
Orofaciodigital syndrome I (OFD1). Also called: OFDS I; Papillon-Leage and Psaume Syndrome; Oral-Facial-Digital Syndrome Type I. Identifiers: Orphanet 2750, MedGen C1510460, MONDO:0010702, OMIM 311200.

gnomAD v4.1: 1 of 1,210,631 alleles (0.000083%); highest among the groups gnomAD compares: East Asian, 0.003%; no homozygotes.

Submission:

Labcorp Genetics (formerly Invitae), Labcorp
Classification: Uncertain significance for Orofaciodigital syndrome I; Joubert syndrome. Last evaluated: 2024-05-31. Review status: criteria provided, single submitter. Criteria: Invitae Variant Classification Sherloc (09022015). Collection method: clinical testing. Allele origin: germline.
Comment: This sequence change replaces proline, which is neutral and non-polar, with leucine, which is neutral and non-polar, at codon 59 of the OFD1 protein (p.Pro59Leu). This variant is present in population databases (rs746207110, gnomAD 0.02%). This variant has not been reported in the literature in individuals affected with OFD1-related conditions. Advanced modeling of protein sequence and biophysical properties (such as structural, functional, and spatial information, amino acid conservation, physicochemical variation, residue mobility, and thermodynamic stability) has been performed at Invitae for this missense variant, however the output from this modeling did not meet the statistical confidence thresholds required to predict the impact of this variant on OFD1 protein function. In summary, the available evidence is currently insufficient to determine the role of this variant in disease. Therefore, it has been classified as a Variant of Uncertain Significance.